The following is an entry in ClinVar:

NM_000352.6(ABCC8):c.1A>G (p.Met1Val)

Gene: ABCC8 (ATP binding cassette subfamily C member 8; minus strand). Cytogenetic location: 11p15.1.
Variant type: single nucleotide variant.
Coding change: c.1A>G on transcript NM_000352.6 (MANE Select); coding-DNA position 1, A replaced by G.
Protein change: p.Met1Val; changes the start codon (methionine 1).
Molecular consequence: missense variant, initiator codon variant. On other transcripts: non-coding transcript variant (1).
Genome position (GRCh38, 1-based): chr11:17,476,776, T>C on the plus strand (A>G on the coding strand, the complement: ABCC8 is on the minus strand). VCF-style: chr11-17476776-T-C. GRCh37 (hg19) VCF-style: chr11-17498323-T-C.
Other names: c.1A>G, p.Met1Val (NM_001287174.3, NM_001351295.2, NM_001351296.2 and 1 more transcripts); short protein forms M1V.
Identifiers: ClinVar variation 2137021 (VCV002137021.7), dbSNP rs2496931481, ClinGen allele CA379790517.
Genomic context (GRCh38, chr11:17,476,776, plus strand): 5'-CCCCCTGGTCCACCCGGTAGGCGGCCGAGTGGTTCTCGCTGCCGCAGAAGGCCAGGGGCA[T>C]GGCGGCGCGGGCGCGGGCTGGGCTCGGGCTCAGCTGGCTCCGCTGGCTCCGCGCGCCTGC-3'
Protein context (NP_000343.2, residues 1-11): [Met1Val]PLAFCGSENH

ClinVar aggregate classification (germline): Pathogenic/Likely pathogenic. Review status: criteria provided, multiple submitters, no conflicts (2 of 4 stars). 3 submissions from 3 submitters: Pathogenic (2); Likely pathogenic (1). Last evaluated 2025-11-26.

Conditions:
Diabetes mellitus, transient neonatal, 2 (TNDM2). Identifiers: Orphanet 99886, MedGen C1835887, MONDO:0012480, OMIM 610374. Disease mechanism: loss of function.
Type 2 diabetes mellitus. Also called: Type II diabetes mellitus. Identifiers: MedGen C0011860, MeSH D003924, MONDO:0005148, OMIM 125853, HP:0005978.
Hyperinsulinemic hypoglycemia, familial, 1 (HHF1). Also called: Persistent hyperinsulinemic hypoglycemia of infancy; HYPERINSULINISM, FAMILIAL, WITH PANCREATIC NESIDIOBLASTOSIS; HYPOGLYCEMIA, HYPERINSULINEMIC, OF INFANCY; NESIDIOBLASTOSIS OF PANCREAS; Persistent Hyperinsulinemia Hypoglycemia of Infancy. Identifiers: Orphanet 276575, Orphanet 276598, MedGen C2931832, MONDO:0009734, OMIM 256450.
Leucine-induced hypoglycemia (LIH). Also called: LEUCINE-SENSITIVE HYPOGLYCEMIA OF INFANCY. Identifiers: MedGen C0271714, MONDO:0009415, OMIM 240800.
Diabetes mellitus, permanent neonatal 3. Also called: ABCC8-Related Permanent Neonatal Diabetes Mellitus. Identifiers: MedGen C5394303, MONDO:0030088, OMIM 618857.

Allele frequency attached by ClinVar (database versions not stated): gnomAD exomes below 0.00001.

Submissions (3):

Myriad Genetics, Inc.
Classification: Pathogenic for Hyperinsulinemic hypoglycemia, familial, 1. Last evaluated: 2025-11-26. Review status: criteria provided, single submitter. Criteria: Myriad Autosomal Dominant, Autosomal Recessive and X-Linked Classification Criteria (2023). Collection method: clinical testing. Allele origin: unknown.
Comment: NM_000352.3(ABCC8):c.1A>G(M1?) is an initiation codon variant classified as pathogenic in the context of familial hyperinsulinism, ABCC8-related. M1? has been observed in a case with relevant disease (PMID: 17378627). Relevant functional assessments of this variant are not available in the literature. M1? has not been observed in referenced population frequency databases. In summary, NM_000352.3(ABCC8):c.1A>G(M1?) is an initiation codon variant that has been observed more frequently in cases with the relevant disease than in healthy populations. Please note: this variant was assessed in the context of healthy population screening.

Fulgent Genetics
Classification: Likely pathogenic for Type 2 diabetes mellitus; Leucine-induced hypoglycemia; Hyperinsulinemic hypoglycemia, familial, 1; Diabetes mellitus, transient neonatal, 2; Diabetes mellitus, permanent neonatal 3. Last evaluated: 2024-02-20. Review status: criteria provided, single submitter. Criteria: ACMG Guidelines, 2015. Collection method: clinical testing. Allele origin: germline.

Labcorp Genetics (formerly Invitae), Labcorp
Classification: Pathogenic. Last evaluated: 2022-03-10. Review status: criteria provided, single submitter. Criteria: Invitae Variant Classification Sherloc (09022015). Collection method: clinical testing. Allele origin: germline.
Comment: This variant disrupts a region of the ABCC8 protein in which other variant(s) (p.Val21Asp) have been determined to be pathogenic (PMID: 19475716, 20685672, 23345197, 27573238). This suggests that this is a clinically significant region of the protein, and that variants that disrupt it are likely to be disease-causing. For these reasons, this variant has been classified as Pathogenic. Disruption of the initiator codon has been observed in individual(s) with hyperinsulinism (PMID: 17378627). This variant is not present in population databases (gnomAD no frequency). This sequence change affects the initiator methionine of the ABCC8 mRNA. The next in-frame methionine is located at codon 80.

Literature cited by the submitters: PubMed 17378627 (cited by Myriad Genetics, Inc. and Labcorp Genetics (formerly Invitae), Labcorp); PubMed 19475716 (cited by Labcorp Genetics (formerly Invitae), Labcorp); PubMed 20685672 (cited by Labcorp Genetics (formerly Invitae), Labcorp); PubMed 23345197 (cited by Labcorp Genetics (formerly Invitae), Labcorp); PubMed 27573238 (cited by Labcorp Genetics (formerly Invitae), Labcorp).